The following is an entry in ClinVar:

ClinVar aggregate classification (germline): Pathogenic (1 of 4 stars; one submission).

Conditions:
Hereditary nonpolyposis colorectal neoplasms. Identifiers: MedGen C0009405, MeSH D003123.

Submission:

Labcorp Genetics (formerly Invitae), Labcorp
Classification: Pathogenic for Hereditary nonpolyposis colorectal neoplasms. Last evaluated: 2022-10-14. Review status: criteria provided, single submitter. Criteria: Invitae Variant Classification Sherloc (09022015). Collection method: clinical testing. Allele origin: germline.
Comment: For these reasons, this variant has been classified as Pathogenic. This variant has not been reported in the literature in individuals affected with MSH6-related conditions. This variant is not present in population databases (gnomAD no frequency). This sequence change creates a premature translational stop signal (p.Asp387Glyfs*26) in the MSH6 gene. It is expected to result in an absent or disrupted protein product. Loss-of-function variants in MSH6 are known to be pathogenic (PMID: 18269114, 24362816).

Literature cited by the submitters: PubMed 18269114; PubMed 24362816.

NM_000179.3(MSH6):c.1155_1159dup (p.Asp387fs)

Gene: MSH6 (mutS homolog 6; plus strand). Cytogenetic location: 2p16.3.
Variant type: Duplication.
Coding change: c.1155_1159dup on transcript NM_000179.3 (MANE Select); coding-DNA positions 1155 to 1159, 5 bases duplicated (GCCTG; older notation c.1155_1159dupGCCTG).
Protein change: p.Asp387fs; shifts the reading frame from aspartic acid 387.
Molecular consequence: frameshift variant.
Genome position (GRCh38, 1-based): chr2:47,799,138-47,799,142, GCCTG duplicated; duplicating any 5 consecutive bases within chr2:47,799,137-47,799,142 gives the same sequence; the c. name uses the placement nearest the transcript's 3' end. VCF-style (leftmost placement, unchanged base first): chr2-47799136-A-AGGCCT. GRCh37 (hg19) VCF-style: chr2-48026275-A-AGGCCT.
Other names: c.765_769dup, p.Asp257fs (NM_001281492.2); c.249_253dup, p.Asp85fs (NM_001281493.2, NM_001281494.2); c.1251_1255dup, p.Asp419Glyfs (NM_001406795.1, NM_001406802.1); c.1155_1159dup, p.Asp387Glyfs (NM_001406796.1, NM_001406798.1, NM_001406800.1 and 4 more transcripts); c.858_862dup, p.Asp288Glyfs (NM_001406797.1, NM_001406801.1, NM_001406805.1 and 10 more transcripts); c.630_634dup, p.Asp212Glyfs (NM_001406799.1, NM_001406806.1, NM_001406807.1); c.1077_1081dup, p.Asp361Glyfs (NM_001406804.1); c.249_253dup, p.Asp85Glyfs (NM_001406811.1, NM_001406812.1, NM_001406814.1 and 4 more transcripts); and 2 more; short protein forms D387fs, D85fs, D257fs.
Identifiers: ClinVar variation 2035525 (VCV002035525.4), dbSNP rs2530593076, ClinGen allele CA2580067504.